The following is an entry in ClinVar:

ClinVar aggregate classification (germline): Likely benign (1 of 4 stars; one submission).

Submission:

Biesecker Lab/Clinical Genomics Section, National Institutes of Health
Classification: Likely benign. Last evaluated: 2013-06-24. Review status: criteria provided, single submitter. Criteria: Ng et al. (Circ Cardiovasc Genet. 2013). Collection method: research. Allele origin: unknown. Observed: 3 variant alleles. Study: ClinSeq.
Comment: The study set was not selected for affection status in relation to any cancer. Pathogenicity categories were based on literature curation. See Pubmed ID:23861362 for details.

Medical sequencing

NM_001267550.2(TTN):c.87876C>T (p.Ile29292=)

Genes: TTN (titin; minus strand), TTN-AS1 (TTN antisense RNA 1; plus strand). Cytogenetic location: 2q31.2.
Variant type: single nucleotide variant.
Coding change: c.87876C>T on transcript NM_001267550.2 (MANE Select); coding-DNA position 87876, C replaced by T.
Protein change: p.Ile29292=; no amino-acid change (isoleucine 29292 retained).
Molecular consequence: synonymous variant.
Genome position (GRCh38, 1-based): chr2:178,557,386, G>A on the plus strand (C>T on the coding strand, the complement: TTN is on the minus strand). VCF-style: chr2-178557386-G-A. GRCh37 (hg19) VCF-style: chr2-179422113-G-A.
Other names: c.82953C>T, p.Ile27651= (NM_001256850.1); c.60681C>T, p.Ile20227= (NM_003319.4); c.80172C>T, p.Ile26724= (NM_133378.4); c.61056C>T, p.Ile20352= (NM_133432.3); c.61257C>T, p.Ile20419= (NM_133437.4).
Identifiers: ClinVar variation 192147 (VCV000192147.1), dbSNP rs786205372, ClinGen allele CA238465.